The following is an entry in ClinVar:

ClinVar aggregate classification (germline): Uncertain significance. Review status: criteria provided, multiple submitters, no conflicts (2 of 4 stars). 2 submissions from 2 submitters: Uncertain significance (2). Last evaluated 2025-04-03.

Submissions (2):

GeneDx
Classification: Uncertain significance. Last evaluated: 2025-04-03. Review status: criteria provided, single submitter. Criteria: GeneDx Variant Classification Process June 2021. Collection method: clinical testing. Allele origin: germline. Affected: yes.
Comment: Not observed at significant frequency in large population cohorts (gnomAD); In silico analysis supports that this missense variant has a deleterious effect on protein structure/function; Has not been previously published as pathogenic or benign to our knowledge; This substitution is predicted to be within the transmembrane segment S1 of the fourth homologous domain

CeGaT Center for Human Genetics Tuebingen
Classification: Uncertain significance. Last evaluated: 2024-10-01. Review status: criteria provided, single submitter. Criteria: CeGaT Center For Human Genetics Tuebingen Variant Classification Criteria Version 2. Collection method: clinical testing. Allele origin: germline. Affected: yes. Observed: 3 variant alleles.
Comment: SCN8A: PM2, PP2, PP3

NM_001330260.2(SCN8A):c.4575C>G (p.Asp1525Glu)

Gene: SCN8A (sodium voltage-gated channel alpha subunit 8; plus strand). Cytogenetic location: 12q13.13.
Variant type: single nucleotide variant.
Coding change: c.4575C>G on transcript NM_001330260.2 (MANE Select); coding-DNA position 4575, C replaced by G.
Protein change: p.Asp1525Glu; replaces aspartic acid 1525 with glutamic acid.
Molecular consequence: missense variant.
Genome position (GRCh38, 1-based): chr12:51,794,421, C>G. VCF-style: chr12-51794421-C-G. GRCh37 (hg19) VCF-style: chr12-52188205-C-G.
Other names: c.4452C>G, p.Asp1484Glu (NM_001177984.3, NM_001369788.1); c.4575C>G, p.Asp1525Glu (NM_014191.4); c.4575C>G (NM_014191.3); short protein forms D1484E, D1525E.
Identifiers: ClinVar variation 1711341 (VCV001711341.31), dbSNP rs2540315399, ClinGen allele CA384878654.
Genomic context (GRCh38, chr12:51,794,421, plus strand): 5'-TCCTCCCCAGAACAAAATCCAAGGAATCGTCTTTGATTTTGTCACTCAGCAAGCCTTTGA[C>G]ATTGTTATCATGATGCTCATCTGCCTTAACATGGTGACAATGATGGTGGAGACAGACACT-3'
Protein context (NP_001317189.1, residues 1515-1535): VFDFVTQQAF[Asp1525Glu]IVIMMLICLN